The following is an entry in ClinVar:

NM_001042492.3(NF1):c.722A>C (p.Asp241Ala)

Gene: NF1 (neurofibromin 1; plus strand). Cytogenetic location: 17q11.2.
Variant type: single nucleotide variant.
Coding change: c.722A>C on transcript NM_001042492.3 (MANE Select); coding-DNA position 722, A replaced by C.
Protein change: p.Asp241Ala; replaces aspartic acid 241 with alanine.
Molecular consequence: missense variant.
Genome position (GRCh38, 1-based): chr17:31,181,777, A>C. VCF-style: chr17-31181777-A-C. GRCh37 (hg19) VCF-style: chr17-29508795-A-C.
Other names: c.722A>C, p.Asp241Ala (NM_000267.4, NM_001128147.3); short protein forms D241A.
Identifiers: ClinVar variation 2757096 (VCV002757096.4), dbSNP rs2143778428, ClinGen allele CA398990191.

ClinVar aggregate classification (germline): Uncertain significance. Review status: criteria provided, multiple submitters, no conflicts (2 of 4 stars). 2 submissions from 2 submitters: Uncertain significance (2). Last evaluated 2025-05-11.

Conditions:
Cardiovascular phenotype. Identifiers: MedGen CN230736.
Hereditary cancer-predisposing syndrome. Also called: Neoplastic Syndromes, Hereditary; Tumor predisposition; Hereditary neoplastic syndrome; Hereditary Cancer Syndrome. Identifiers: Orphanet 140162, MedGen C0027672, MeSH D009386, MONDO:0015356.
Neurofibromatosis, type 1 (NF1). Also called: VON RECKLINGHAUSEN DISEASE; NEUROFIBROMATOSIS, TYPE I, SOMATIC; Peripheral type neurofibromatosis; Neurofibromatosis, type I. Identifiers: Orphanet 636, MedGen C0027831, MONDO:0018975, OMIM 162200. Disease mechanism: loss of function.

Submissions (2):

Ambry Genetics
Classification: Uncertain significance for Cardiovascular phenotype; Hereditary cancer-predisposing syndrome. Last evaluated: 2025-05-11. Review status: criteria provided, single submitter. Criteria: Ambry Variant Classification Scheme 2023. Collection method: clinical testing. Allele origin: germline.
Comment: The p.D241A variant (also known as c.722A>C), located in coding exon 7 of the NF1 gene, results from an A to C substitution at nucleotide position 722. The aspartic acid at codon 241 is replaced by alanine, an amino acid with dissimilar properties. This amino acid position is conserved. In addition, this alteration is predicted to be deleterious by in silico analysis. Based on the available evidence, the clinical significance of this variant remains unclear.

Labcorp Genetics (formerly Invitae), Labcorp
Classification: Uncertain significance for Neurofibromatosis, type 1. Last evaluated: 2023-09-01. Review status: criteria provided, single submitter. Criteria: Invitae Variant Classification Sherloc (09022015). Collection method: clinical testing. Allele origin: germline.
Comment: In summary, the available evidence is currently insufficient to determine the role of this variant in disease. Therefore, it has been classified as a Variant of Uncertain Significance. Advanced modeling of protein sequence and biophysical properties (such as structural, functional, and spatial information, amino acid conservation, physicochemical variation, residue mobility, and thermodynamic stability) performed at Invitae indicates that this missense variant is expected to disrupt NF1 protein function. This variant has not been reported in the literature in individuals affected with NF1-related conditions. This variant is not present in population databases (gnomAD no frequency). This sequence change replaces aspartic acid, which is acidic and polar, with alanine, which is neutral and non-polar, at codon 241 of the NF1 protein (p.Asp241Ala).